The following is an entry in ClinVar:

NM_000817.3(GAD1):c.962C>T (p.Pro321Leu)

Gene: GAD1 (glutamate decarboxylase 1; plus strand). Cytogenetic location: 2q31.1.
Variant type: single nucleotide variant.
Coding change: c.962C>T on transcript NM_000817.3 (MANE Select); coding-DNA position 962, C replaced by T.
Protein change: p.Pro321Leu; replaces proline 321 with leucine.
Molecular consequence: missense variant.
Genome position (GRCh38, 1-based): chr2:170,846,023, C>T. VCF-style: chr2-170846023-C-T. GRCh37 (hg19) VCF-style: chr2-171702533-C-T.
Other names: short protein forms P321L.
Identifiers: ClinVar variation 1984645 (VCV001984645.4), dbSNP rs775306074, ClinGen allele CA1962795.

ClinVar aggregate classification (germline): Uncertain significance (1 of 4 stars; one submission).

Conditions:
Neurodevelopmental disorder with progressive spasticity and brain white matter abnormalities. Also called: CEREBRAL PALSY, SPASTIC QUADRIPLEGIC, 1. Identifiers: Orphanet 210141, Orphanet 641353, MedGen C5436628, MONDO:0033613, OMIM 619026.

Allele frequency attached by ClinVar (database versions not stated): gnomAD exomes below 0.00001; ExAC 0.00001.
gnomAD v4.1: 2 of 1,613,378 alleles (0.00012%); highest among the groups gnomAD compares: Admixed American, 0.0033%; no homozygotes.

Submission:

Labcorp Genetics (formerly Invitae), Labcorp
Classification: Uncertain significance for Neurodevelopmental disorder with progressive spasticity and brain white matter abnormalities. Last evaluated: 2023-04-26. Review status: criteria provided, single submitter. Criteria: Invitae Variant Classification Sherloc (09022015). Collection method: clinical testing. Allele origin: germline.
Comment: In summary, the available evidence is currently insufficient to determine the role of this variant in disease. Therefore, it has been classified as a Variant of Uncertain Significance. Advanced modeling of protein sequence and biophysical properties (such as structural, functional, and spatial information, amino acid conservation, physicochemical variation, residue mobility, and thermodynamic stability) performed at Invitae indicates that this missense variant is not expected to disrupt GAD1 protein function. ClinVar contains an entry for this variant (Variation ID: 1984645). This variant has not been reported in the literature in individuals affected with GAD1-related conditions. This variant is present in population databases (rs775306074, gnomAD 0.003%). This sequence change replaces proline, which is neutral and non-polar, with leucine, which is neutral and non-polar, at codon 321 of the GAD1 protein (p.Pro321Leu).